The following is an entry in ClinVar:

ClinVar aggregate classification (germline): Pathogenic (1 of 4 stars; one submission).

Conditions:
Familial adenomatous polyposis 1 (FAP1). Also called: FAMILIAL ADENOMATOUS POLYPOSIS 1, ATTENUATED; POLYPOSIS, ADENOMATOUS INTESTINAL. Identifiers: MedGen C2713442, MONDO:0021056, OMIM 175100. Disease mechanism: loss of function.

Submission:

Myriad Genetics, Inc.
Classification: Pathogenic for Familial adenomatous polyposis 1. Last evaluated: 2023-05-01. Review status: criteria provided, single submitter. Criteria: Myriad Autosomal Dominant, Autosomal Recessive and X-Linked Classification Criteria (2023). Collection method: clinical testing. Allele origin: unknown.
Comment: This variant is considered pathogenic. This variant creates a frameshift predicted to result in premature protein truncation.

NM_000038.6(APC):c.1538del (p.Val513fs)

Gene: APC (APC regulator of Wnt signaling pathway; plus strand). Cytogenetic location: 5q22.2.
Variant type: Deletion.
Coding change: c.1538del on transcript NM_000038.6 (MANE Select); coding-DNA position 1538, one base deleted (T; older notation c.1538delT).
Protein change: p.Val513fs; shifts the reading frame from valine 513.
Molecular consequence: frameshift variant.
Genome position (GRCh38, 1-based): chr5:112,827,237, T deleted. VCF-style (leftmost placement, unchanged base first): chr5-112827236-GT-G. GRCh37 (hg19) VCF-style: chr5-112162933-GT-G.
Other names: c.1538del, p.Val513fs (NM_001127510.3, NM_001354895.2, NM_001407450.1); c.1484del, p.Val495fs (NM_001127511.3); c.1592del, p.Val531fs (NM_001354896.2, NM_001407447.1, NM_001407448.1 and 1 more transcripts); c.1568del, p.Val523fs (NM_001354897.2); c.1463del, p.Val488fs (NM_001354898.2); c.1454del, p.Val485fs (NM_001354899.2); c.1415del, p.Val472fs (NM_001354900.2); c.1361del, p.Val454fs (NM_001354901.2, NM_001407453.1); and 11 more; short protein forms V129fs, V230fs, V353fs, V384fs, V387fs, V412fs, V422fs, V430fs.
Identifiers: ClinVar variation 2583780 (VCV002583780.2), dbSNP rs2533203067, ClinGen allele CA2582341345.
Genomic context (GRCh38, chr5:112,827,236, plus strand): 5'-TACAGTATTACACTAAGACGATATGCTGGAATGGCTTTGACAAACTTGACTTTTGGAGAT[GT>G]AGCCAACAAGGTATGTTTTTATAACATGTATTTCTTAAGATAGCTCAGGTATGAGTTAAT-3'